The following is an entry in ClinVar:

NM_213674.1(TPM2):c.-137T>A

Gene: TPM2 (tropomyosin 2; minus strand). Cytogenetic location: 9p13.3.
Variant type: single nucleotide variant.
Coding change: c.-137T>A on transcript NM_213674.1; 137 bases upstream of the start codon, T replaced by A.
Molecular consequence: 5 prime UTR variant.
Genome position (GRCh38, 1-based): chr9:35,689,954, A>T on the plus strand (T>A on the coding strand, the complement: TPM2 is on the minus strand). VCF-style: chr9-35689954-A-T. GRCh37 (hg19) VCF-style: chr9-35689951-A-T.
Other names: c.-137T>A (NM_003289.3).
Identifiers: ClinVar variation 670240 (VCV000670240.8), dbSNP rs3793540, ClinGen allele CA13029113.

ClinVar aggregate classification (germline): Benign. Review status: criteria provided, multiple submitters, no conflicts (2 of 4 stars). 4 submissions from 3 submitters: Benign (4). Last evaluated 2018-06-19.

Conditions:
Congenital myopathy 23 (CMYO23). Also called: NEMALINE MYOPATHY 4; Nemaline myopathy 4, autosomal dominant; CAP MYOPATHY 2. Identifiers: MedGen C1836447, MONDO:0012240, OMIM 609285.
Arthrogryposis, distal, type 1A. Also called: ARTHROGRYPOSIS MULTIPLEX CONGENITA, DISTAL, TYPE I. Identifiers: Orphanet 1146, MedGen C6022280, MONDO:0007157, OMIM 108120.

Allele frequency attached by ClinVar (database versions not stated): 1000 Genomes Project 0.23223; TOPMed 0.24035; gnomAD 0.23673 and 0.23882; 1000 Genomes Project 30x 0.22595; gnomAD exomes 0.27957.
gnomAD v4.1: 429,713 of 1,560,002 alleles (28%); highest among the groups gnomAD compares: East Asian, 32%; 60,558 homozygotes.

Submissions (4):

GeneDx
Classification: Benign. Last evaluated: 2018-06-19. Review status: criteria provided, single submitter. Criteria: GeneDx Variant Classification (06012015). Collection method: clinical testing. Allele origin: germline. Affected: yes.
Comment: This variant is considered likely benign or benign based on one or more of the following criteria: it is a conservative change, it occurs at a poorly conserved position in the protein, it is predicted to be benign by multiple in silico algorithms, and/or has population frequency not consistent with disease.

Illumina Laboratory Services, Illumina
Classification: Benign for Arthrogryposis, distal, type 1A. Last evaluated: 2018-01-13. Review status: criteria provided, single submitter. Criteria: ICSL Variant Classification Criteria 13 December 2019. Collection method: clinical testing. Allele origin: germline.
Comment: This variant was observed in the ICSL laboratory as part of a predisposition screen in an ostensibly healthy population. It had not been previously curated by ICSL or reported in the Human Gene Mutation Database (HGMD: prior to June 1st, 2018), and was therefore a candidate for classification through an automated scoring system. Utilizing variant allele frequency, disease prevalence and penetrance estimates, and inheritance mode, an automated score was calculated to assess if this variant is too frequent to cause the disease. Based on the score and internal cut-off values, a variant classified as benign is not then subjected to further curation. The score for this variant resulted in a classification of benign for this disease.

Illumina Laboratory Services, Illumina
Classification: Benign for Congenital myopathy 23. Last evaluated: 2018-01-13. Review status: criteria provided, single submitter. Criteria: ICSL Variant Classification Criteria 13 December 2019. Collection method: clinical testing. Allele origin: germline.
Comment: the same text as in the submission from Illumina Laboratory Services, Illumina above.

Breakthrough Genomics
Classification: Benign. Review status: criteria provided, single submitter. Criteria: ACMG Guidelines, 2015. Collection method: not provided. Allele origin: germline. Inheritance: Autosomal dominant inheritance. Affected: yes.